The following is an entry in ClinVar:

ClinVar aggregate classification (germline): Likely pathogenic. Review status: criteria provided, multiple submitters, no conflicts (2 of 4 stars). 2 submissions from 2 submitters: Likely pathogenic (2). Last evaluated 2024-03-30.

Conditions:
Fanconi anemia complementation group L (FANCL). Also called: FANCL-Related Fanconi Anemia. Identifiers: Orphanet 84, MedGen C3469528, MONDO:0013566, OMIM 614083.

gnomAD v4.1: 7 of 1,600,660 alleles (0.00044%); highest among the groups gnomAD compares: Non-Finnish European, 0.00051%; no homozygotes.

Submissions (2):

Fulgent Genetics
Classification: Likely pathogenic for Fanconi anemia complementation group L. Last evaluated: 2024-03-30. Review status: criteria provided, single submitter. Criteria: ACMG Guidelines, 2015. Collection method: clinical testing. Allele origin: germline.

Juno Genomics, Hangzhou Juno Genomics, Inc
Classification: Likely pathogenic for Fanconi anemia complementation group L. Review status: criteria provided, single submitter. Criteria: ACMG Guidelines, 2015. Collection method: clinical testing. Allele origin: germline.
Comment: Absent from controls (or at extremely low frequency if recessive) in Genome Aggregation Database.;Null variant in a gene where loss of function (LOF) is a known mechanism of disease.

NM_018062.4(FANCL):c.374+1G>A

Gene: FANCL (FA complementation group L; minus strand). Cytogenetic location: 2p16.1.
Variant type: single nucleotide variant.
Coding change: c.374+1G>A on transcript NM_018062.4 (MANE Select); the canonical splice donor site of the intron after coding-DNA position 374, G replaced by A.
Molecular consequence: splice donor variant.
Genome position (GRCh38, 1-based): chr2:58,221,941, C>T on the plus strand (G>A on the coding strand, the complement: FANCL is on the minus strand). VCF-style: chr2-58221941-C-T. GRCh37 (hg19) VCF-style: chr2-58449076-C-T.
Other names: c.374+1G>A (NM_001374615.1, NM_001114636.2, NM_001410792.1).
Identifiers: ClinVar variation 3586781 (VCV003586781.3).